The following is an entry in ClinVar:

ClinVar aggregate classification (germline): Pathogenic (1 of 4 stars; one submission).

Conditions:
Hyperinsulinemic hypoglycemia, familial, 1 (HHF1). Also called: HYPERINSULINISM, FAMILIAL, WITH PANCREATIC NESIDIOBLASTOSIS; HYPOGLYCEMIA, HYPERINSULINEMIC, OF INFANCY; NESIDIOBLASTOSIS OF PANCREAS; Persistent Hyperinsulinemia Hypoglycemia of Infancy; Persistent hyperinsulinemic hypoglycemia of infancy. Identifiers: Orphanet 276575, Orphanet 276598, MedGen C2931832, MONDO:0009734, OMIM 256450.

Submission:

Myriad Genetics, Inc.
Classification: Pathogenic for Hyperinsulinemic hypoglycemia, familial, 1. Last evaluated: 2026-01-22. Review status: criteria provided, single submitter. Criteria: Myriad Autosomal Dominant, Autosomal Recessive and X-Linked Classification Criteria (2023). Collection method: clinical testing. Allele origin: unknown.
Comment: NM_000352.3(ABCC8):c.1259dupT(V421Gfs*74) is expected to be pathogenic in the context of familial hyperinsulinism, ABCC8-related. This variant is predicted to lead to an abnormal or absent protein product due to the creation of a premature termination codon in ABCC8, a gene where loss-of-function variants are known to be pathogenic. Please note: this variant was assessed in the context of healthy population screening.

NM_000352.6(ABCC8):c.1259dup (p.Val421fs)

Gene: ABCC8 (ATP binding cassette subfamily C member 8; minus strand). Cytogenetic location: 11p15.1.
Variant type: Duplication.
Coding change: c.1259dup on transcript NM_000352.6 (MANE Select); coding-DNA position 1259, one base duplicated (T; older notation c.1259dupT).
Protein change: p.Val421fs; shifts the reading frame from valine 421.
Molecular consequence: frameshift variant. On other transcripts: non-coding transcript variant (1).
Genome position (GRCh38, 1-based): chr11:17,448,589, A duplicated on the plus strand (T on the coding strand, the reverse complement: ABCC8 is on the minus strand). VCF-style (leftmost placement, unchanged base first): chr11-17448588-C-CA. GRCh37 (hg19) VCF-style: chr11-17470135-C-CA.
Other names: c.1259dup, p.Val421fs (NM_001287174.3, NM_001351295.2); c.1256dup, p.Val420fs (NM_001351296.2, NM_001351297.2); short protein forms V420fs, V421fs.
Identifiers: ClinVar variation 5015463 (VCV005015463.1).